The following is an entry in ClinVar:

ClinVar aggregate classification (germline): Uncertain significance (1 of 4 stars; one submission).

Submission:

Labcorp Genetics (formerly Invitae), Labcorp
Classification: Uncertain significance. Last evaluated: 2024-02-22. Review status: criteria provided, single submitter. Criteria: Invitae Variant Classification Sherloc (09022015). Collection method: clinical testing. Allele origin: germline.
Comment: This sequence change creates a premature translational stop signal (p.Arg1913*) in the CACNA1F gene. While this is not anticipated to result in nonsense mediated decay, it is expected to disrupt the last 65 amino acid(s) of the CACNA1F protein. The frequency data for this variant in the population databases is considered unreliable, as metrics indicate poor data quality at this position in the gnomAD database. This variant has not been reported in the literature in individuals affected with CACNA1F-related conditions. This variant disrupts a region of the CACNA1F protein in which other variant(s) (p.Leu1977Arg) have been observed in individuals with CACNA1F-related conditions (Invitae). This suggests that this is a clinically significant region of the protein, and that variants that disrupt it are likely to be disease-causing. In summary, the available evidence is currently insufficient to determine the role of this variant in disease. Therefore, it has been classified as a Variant of Uncertain Significance.

NM_001256789.3(CACNA1F):c.5704C>T (p.Arg1902Ter)

Gene: CACNA1F (calcium voltage-gated channel subunit alpha1 F; minus strand). Cytogenetic location: Xp11.23.
Variant type: single nucleotide variant.
Coding change: c.5704C>T on transcript NM_001256789.3 (MANE Select); coding-DNA position 5704, C replaced by T.
Protein change: p.Arg1902Ter; replaces arginine 1902 with a stop codon.
Molecular consequence: nonsense.
Genome position (GRCh38, 1-based): chrX:49,205,334, G>A on the plus strand (C>T on the coding strand, the complement: CACNA1F is on the minus strand). VCF-style: chrX-49205334-G-A. GRCh37 (hg19) VCF-style: chrX-49061794-G-A.
Other names: c.5542C>T, p.Arg1848Ter (NM_001256790.3); c.5737C>T, p.Arg1913Ter (NM_005183.4); short protein forms R1848*, R1902*, R1913*.
Identifiers: ClinVar variation 3616708 (VCV003616708.2).